The following is an entry in ClinVar:

ClinVar aggregate classification (germline): Likely benign (1 of 4 stars; one submission).

Submission:

Molecular Diagnostic Laboratory for Inherited Cardiovascular Disease, Montreal Heart Institute
Classification: Likely benign. Last evaluated: 2026-03-27. Review status: criteria provided, single submitter. Criteria: ACMG Guidelines, 2015. Collection method: clinical testing. Allele origin: germline. Affected: no.
Comment: BP4

NM_005070.4(SLC4A3):c.3622-6C>T

Gene: SLC4A3 (solute carrier family 4 member 3; plus strand). Cytogenetic location: 2q35.
Variant type: single nucleotide variant.
Coding change: c.3622-6C>T on transcript NM_005070.4 (MANE Select); 6 bases into the intron before coding-DNA position 3622, C replaced by T.
Molecular consequence: intron variant.
Genome position (GRCh38, 1-based): chr2:219,641,645, C>T. VCF-style: chr2-219641645-C-T. GRCh37 (hg19) VCF-style: chr2-220506367-C-T.
Other names: c.3703-6C>T (NM_001326559.2, NM_201574.3); c.3622-6C>T (NM_001438863.1); c.3028-6C>T (NM_001438864.1).
Identifiers: ClinVar variation 4820550 (VCV004820550.1), dbSNP rs1425806898.